The following is an entry in ClinVar:

ClinVar aggregate classification (germline): Benign/Likely benign. Review status: criteria provided, multiple submitters, no conflicts (2 of 4 stars). 8 submissions from 8 submitters: Benign (3); Likely benign (4). 1 of the submissions does not count toward it. Last evaluated 2026-07-01.

Conditions:
SLITRK6-related disorder. Also called: SLITRK6-related condition.

Allele frequency attached by ClinVar (database versions not stated): 1000 Genomes Project 0.00200; 1000 Genomes Project 30x 0.00219; gnomAD 0.00539; TOPMed 0.00548; ESP Exome Variant Server 0.00729.

Submissions (8):

CeGaT Center for Human Genetics Tuebingen
Classification: Likely benign. Last evaluated: 2026-07-01. Review status: criteria provided, single submitter. Criteria: CeGaT Center For Human Genetics Tuebingen Variant Classification Criteria Version 2. Collection method: clinical testing. Allele origin: germline. Affected: yes. Observed: 7 variant alleles.
Comment: SLITRK6: BS2

Labcorp Genetics (formerly Invitae), Labcorp
Classification: Likely benign. Last evaluated: 2026-02-04. Review status: criteria provided, single submitter. Criteria: Invitae Variant Classification Sherloc (09022015). Collection method: clinical testing. Allele origin: germline.

Blueprint Genetics
Classification: Likely benign. Last evaluated: 2024-11-22. Review status: criteria provided, single submitter. Criteria: ACMG Guidelines, 2015. Collection method: clinical testing. Allele origin: germline.

GeneDx
Classification: Benign. Last evaluated: 2019-05-07. Review status: criteria provided, single submitter. Criteria: GeneDx Variant Classification Process June 2021. Collection method: clinical testing. Allele origin: germline. Affected: yes.

Athena Diagnostics
Classification: Benign. Last evaluated: 2018-12-10. Review status: criteria provided, single submitter. Criteria: Athena Diagnostics Criteria. Collection method: clinical testing. Allele origin: germline.

Eurofins Ntd Llc (ga)
Classification: Likely benign. Last evaluated: 2017-12-01. Review status: criteria provided, single submitter. Criteria: EGL Classification Definitions 2015. Collection method: clinical testing. Allele origin: germline. Observed: 1 variant allele, 1 heterozygote.

Laboratory for Molecular Medicine, Mass General Brigham Personalized Medicine
Classification: Benign. Last evaluated: 2017-08-23. Review status: criteria provided, single submitter. Criteria: LMM Criteria. Collection method: clinical testing. Allele origin: germline. Observed: 3 variant alleles.
Comment: p.Gly732Glu in exon 2 of SLITRK6: This variant is not expected to have clinical significance because it has been identified in 0.73% (485/66704) of European chr omosomes by the Exome Aggregation Consortium (ExAC, rg; dbSNP rs74591375).

PreventionGenetics, part of Exact Sciences
Classification: Benign for SLITRK6-related condition. Last evaluated: 2019-07-24. Review status: no assertion criteria provided. Collection method: clinical testing. Allele origin: germline. Not counted in ClinVar's aggregate classification.
Comment: This variant is classified as benign based on ACMG/AMP sequence variant interpretation guidelines (Richards et al. 2015 PMID: 25741868, with internal and published modifications).

NM_032229.3(SLITRK6):c.2195G>A (p.Gly732Glu)

Gene: SLITRK6 (SLIT and NTRK like family member 6; minus strand). Cytogenetic location: 13q31.1.
Variant type: single nucleotide variant.
Coding change: c.2195G>A on transcript NM_032229.3 (MANE Select); coding-DNA position 2195, G replaced by A.
Protein change: p.Gly732Glu; replaces glycine 732 with glutamic acid.
Molecular consequence: missense variant.
Genome position (GRCh38, 1-based): chr13:85,794,314, C>T on the plus strand (G>A on the coding strand, the complement: SLITRK6 is on the minus strand). VCF-style: chr13-85794314-C-T. GRCh37 (hg19) VCF-style: chr13-86368449-C-T.
Other names: short protein forms G732E.
Identifiers: ClinVar variation 508579 (VCV000508579.64), dbSNP rs74591375, ClinGen allele CA7014942.